The following is an entry in ClinVar:

NM_000318.3(PEX2):c.44T>C (p.Leu15Pro)

Gene: PEX2 (peroxisomal biogenesis factor 2; minus strand). Cytogenetic location: 8q21.13.
Variant type: single nucleotide variant.
Coding change: c.44T>C on transcript NM_000318.3 (MANE Select); coding-DNA position 44, T replaced by C.
Protein change: p.Leu15Pro; replaces leucine 15 with proline.
Molecular consequence: missense variant.
Genome position (GRCh38, 1-based): chr8:76,984,135, A>G on the plus strand (T>C on the coding strand, the complement: PEX2 is on the minus strand). VCF-style: chr8-76984135-A-G. GRCh37 (hg19) VCF-style: chr8-77896371-A-G.
Other names: c.44T>C, p.Leu15Pro (NM_001079867.2, NM_001172086.2, NM_001172087.2); short protein forms L15P.
Identifiers: ClinVar variation 2419732 (VCV002419732.3), dbSNP rs2132044995, ClinGen allele CA371558213.
Genomic context (GRCh38, chr8:76,984,135, plus strand): 5'-GACCAAACTAGCTGCTCCAGGGCCTTGTTTAGTTCAAGTGCATCCAACTGGCTTATTCTT[A>G]GCACTCTGTTTGCACTCTTCGCATTCTCTTTTCTGGAAGCCATGTCTTCTCTGAAGGTCT-3'
Protein context (NP_000309.2, residues 5-25): KENAKSANRV[Leu15Pro]RISQLDALEL

ClinVar aggregate classification (germline): Uncertain significance (1 of 4 stars; one submission).

Conditions:
Peroxisome biogenesis disorder 5A (Zellweger) (PBD5A). Identifiers: Orphanet 912, MedGen C3553940, MONDO:0013932, OMIM 614866.

Submission:

Labcorp Genetics (formerly Invitae), Labcorp
Classification: Uncertain significance for Peroxisome biogenesis disorder 5A (Zellweger). Last evaluated: 2022-02-11. Review status: criteria provided, single submitter. Criteria: Invitae Variant Classification Sherloc (09022015). Collection method: clinical testing. Allele origin: germline.
Comment: This sequence change replaces leucine, which is neutral and non-polar, with proline, which is neutral and non-polar, at codon 15 of the PEX2 protein (p.Leu15Pro). This variant is not present in population databases (gnomAD no frequency). This variant has not been reported in the literature in individuals affected with PEX2-related conditions. Algorithms developed to predict the effect of missense changes on protein structure and function are either unavailable or do not agree on the potential impact of this missense change (SIFT: "Tolerated"; PolyPhen-2: "Probably Damaging"; Align-GVGD: "Class C0"). In summary, the available evidence is currently insufficient to determine the role of this variant in disease. Therefore, it has been classified as a Variant of Uncertain Significance.